The following is an entry in ClinVar:

ClinVar aggregate classification (germline): Uncertain significance (1 of 4 stars; one submission).

gnomAD v4.1: 6 of 1,579,350 alleles (0.00038%); highest among the groups gnomAD compares: Non-Finnish European, 0.00051%; no homozygotes.

Submission:

GeneDx
Classification: Uncertain significance. Last evaluated: 2026-03-26. Review status: criteria provided, single submitter. Criteria: GeneDx Variant Classification Process June 2021. Collection method: clinical testing. Allele origin: germline.
Comment: Not observed at significant frequency in large population cohorts (gnomAD); In silico analysis suggests that this missense variant does not alter protein structure/function; Has not been previously published as pathogenic or benign to our knowledge

NM_021098.3(CACNA1H):c.6294C>G (p.Asp2098Glu)

Gene: CACNA1H (calcium voltage-gated channel subunit alpha1 H; plus strand). Cytogenetic location: 16p13.3.
Variant type: single nucleotide variant.
Coding change: c.6294C>G on transcript NM_021098.3 (MANE Select); coding-DNA position 6294, C replaced by G.
Protein change: p.Asp2098Glu; replaces aspartic acid 2098 with glutamic acid.
Molecular consequence: missense variant.
Genome position (GRCh38, 1-based): chr16:1,220,226, C>G. VCF-style: chr16-1220226-C-G. GRCh37 (hg19) VCF-style: chr16-1270226-C-G.
Other names: c.6276C>G, p.Asp2092Glu (NM_001005407.2); short protein forms D2092E, D2098E.
Identifiers: ClinVar variation 5017617 (VCV005017617.1).